The following is an entry in ClinVar:

NM_000051.4(ATM):c.8164C>A (p.Leu2722Met)

Genes: ATM (ATM serine/threonine kinase; plus strand), C11orf65 (chromosome 11 open reading frame 65; minus strand). Cytogenetic location: 11q22.3.
Variant type: single nucleotide variant.
Coding change: c.8164C>A on transcript NM_000051.4 (MANE Select); coding-DNA position 8164, C replaced by A.
Protein change: p.Leu2722Met; replaces leucine 2722 with methionine.
Molecular consequence: missense variant. On other transcripts: intron variant (2).
Genome position (GRCh38, 1-based): chr11:108,335,857, C>A. VCF-style: chr11-108335857-C-A. GRCh37 (hg19) VCF-style: chr11-108206584-C-A.
Other names: c.8164C>A, p.Leu2722Met (NM_001351834.2); c.641-26786G>T (NM_001330368.2); c.695-565G>T (NM_001351110.2); short protein forms L2722M.
Identifiers: ClinVar variation 1762241 (VCV001762241.2), dbSNP rs587782399, ClinGen allele CA382562480.
Genomic context (GRCh38, chr11:108,335,857, plus strand): 5'-ATAATAAAATAAACTGTACTTGTTTATTCATGCTTAATTATTCTGAAGGGCCGTGATGAC[C>A]TGAGACAAGATGCTGTCATGCAACAGGTCTTCCAGATGTGTAATACATTACTGCAGAGAA-3'
Protein context (NP_000042.3, residues 2712-2732): RRQLVKGRDD[Leu2722Met]RQDAVMQQVF

ClinVar aggregate classification (germline): Uncertain significance (1 of 4 stars; one submission).

Conditions:
Hereditary cancer-predisposing syndrome. Also called: Hereditary neoplastic syndrome; Neoplastic Syndromes, Hereditary; Tumor predisposition; Hereditary Cancer Syndrome. Identifiers: Orphanet 140162, MedGen C0027672, MeSH D009386, MONDO:0015356.

Submission:

Ambry Genetics
Classification: Uncertain significance for Hereditary cancer-predisposing syndrome. Last evaluated: 2021-02-03. Review status: criteria provided, single submitter. Criteria: Ambry Variant Classification Scheme 2023. Collection method: clinical testing. Allele origin: germline.
Comment: The p.L2722M variant (also known as c.8164C>A), located in coding exon 55 of the ATM gene, results from a C to A substitution at nucleotide position 8164. The leucine at codon 2722 is replaced by methionine, an amino acid with highly similar properties. This amino acid position is highly conserved in available vertebrate species. In addition, the in silico prediction for this alteration is inconclusive. Since supporting evidence is limited at this time, the clinical significance of this alteration remains unclear.